The following is an entry in ClinVar:

NM_006767.4(LZTR1):c.510-2A>G

Gene: LZTR1 (leucine zipper like post translational regulator 1; plus strand). Cytogenetic location: 22q11.21.
Variant type: single nucleotide variant.
Coding change: c.510-2A>G on transcript NM_006767.4 (MANE Select); the canonical splice acceptor site of the intron before coding-DNA position 510, A replaced by G.
Molecular consequence: splice acceptor variant.
Genome position (GRCh38, 1-based): chr22:20,988,787, A>G. VCF-style: chr22-20988787-A-G. GRCh37 (hg19) VCF-style: chr22-21343076-A-G.
Identifiers: ClinVar variation 692086 (VCV000692086.5), dbSNP rs1458682620, ClinGen allele CA410780072.
Genomic context (GRCh38, chr22:20,988,787, plus strand): 5'-GCTGGGTGGCTCAGGTCTGTGCTGGGCGGCCTCACTCCCTCCCCTCTTCCCTCACACTCC[A>G]GGTTGCCAGTCGCTAGGTCAGCCCATGGGGCCACGGTGTACAGTGACAAGCTGTGGATCT-3'

ClinVar aggregate classification (germline): Likely pathogenic. Review status: criteria provided, multiple submitters, no conflicts (2 of 4 stars). 3 submissions from 3 submitters: Likely pathogenic (3). Last evaluated 2024-02-14.

Conditions:
Noonan syndrome 2 (NS2). Identifiers: Orphanet 648, MedGen C1854469, MONDO:0011531, OMIM 605275.
Hereditary cancer-predisposing syndrome. Also called: Neoplastic Syndromes, Hereditary; Tumor predisposition; Hereditary neoplastic syndrome; Hereditary Cancer Syndrome. Identifiers: Orphanet 140162, MedGen C0027672, MeSH D009386, MONDO:0015356.
Cardiovascular phenotype. Identifiers: MedGen CN230736.

Allele frequency attached by ClinVar (database versions not stated): gnomAD exomes below 0.00001 and 0.00001; TOPMed below 0.00001.
gnomAD v4.1: 1 of 1,613,072 alleles (0.000062%); highest among the groups gnomAD compares: African/African-American, 0.0013%; no homozygotes.

Submissions (3):

Ambry Genetics
Classification: Likely pathogenic for Cardiovascular phenotype; Hereditary cancer-predisposing syndrome. Last evaluated: 2024-02-14. Review status: criteria provided, single submitter. Criteria: Ambry Variant Classification Scheme 2023. Collection method: clinical testing. Allele origin: germline.
Comment: The c.510-2A>G intronic variant results from an A to G substitution two nucleotides upstream from coding exon 6 in the LZTR1 gene. This nucleotide position is highly conserved in available vertebrate species. In silico splice site analysis predicts that this alteration will weaken the native splice acceptor site and will result in the creation or strengthening of a novel splice acceptor site. RNA studies have demonstrated that this alteration results in abnormal splicing in the set of samples tested (Ambry internal data). Based on the supporting evidence, this variant is likely pathogenic for an increased risk of LZTR1-related schwannomatosis (SWN) and would be expected to cause autosomal recessive Noonan syndrome when present along with a second pathogenic or likely pathogenic variant on the other allele.

Labcorp Genetics (formerly Invitae), Labcorp
Classification: Likely pathogenic. Last evaluated: 2023-10-22. Review status: criteria provided, single submitter. Criteria: Invitae Variant Classification Sherloc (09022015). Collection method: clinical testing. Allele origin: germline.
Comment: This sequence change affects an acceptor splice site in intron 5 of the LZTR1 gene. It is expected to disrupt RNA splicing. Variants that disrupt the donor or acceptor splice site typically lead to a loss of protein function (PMID: 16199547), and loss-of-function variants in LZTR1 are known to be pathogenic (PMID: 24362817, 25335493, 25480913, 25795793, 29469822, 30368668, 30442762, 30442766, 30481304, 30859559). This variant is present in population databases (no rsID available, gnomAD 0.007%). Disruption of this splice site has been observed in individual(s) with Noonan syndrome (PMID: 34645491). ClinVar contains an entry for this variant (Variation ID: 692086). Algorithms developed to predict the effect of sequence changes on RNA splicing suggest that this variant may disrupt the consensus splice site. In summary, the currently available evidence indicates that the variant is pathogenic, but additional data are needed to prove that conclusively. Therefore, this variant has been classified as Likely Pathogenic.

Rady Children's Institute for Genomic Medicine, Rady Children's Hospital San Diego
Classification: Likely pathogenic for Noonan Syndrome 2. Last evaluated: 2019-03-26. Review status: criteria provided, single submitter. Criteria: ACMG Guidelines, 2015. Collection method: clinical testing. Allele origin: germline. Affected: yes. Observed: 1 variant allele.
Comment: This variant affects the canonical splice acceptor site of intron 5 of 20, and is therefore predicted to interfere with splicing and result in loss of normal protein function. This variant has not been previously reported or functionally characterized in the literature to our knowledge. It is present in the heterozygous state in the gnomAD population database at a frequency of 0.001% (2/246022) and thus is presumed to be rare. Multiple splice prediction tools suggest this variant is likely to interfere with normal splicing. Canonical splice site variants have previously been identified in individuals affected with autosomal recessive Noonan Syndrome (PMID: 29469822). Based on the available evidence, the c.510-2A>G variant is classified as Likely Pathogenic.

Literature cited by the submitters: PubMed 16199547 (cited by Labcorp Genetics (formerly Invitae), Labcorp); PubMed 24362817 (cited by Labcorp Genetics (formerly Invitae), Labcorp); PubMed 25335493 (cited by Labcorp Genetics (formerly Invitae), Labcorp); PubMed 25480913 (cited by Labcorp Genetics (formerly Invitae), Labcorp); PubMed 25795793 (cited by Labcorp Genetics (formerly Invitae), Labcorp); PubMed 29469822 (cited by Labcorp Genetics (formerly Invitae), Labcorp); PubMed 30368668 (cited by Labcorp Genetics (formerly Invitae), Labcorp); PubMed 30442762 (cited by Labcorp Genetics (formerly Invitae), Labcorp); PubMed 30442766 (cited by Labcorp Genetics (formerly Invitae), Labcorp); PubMed 30481304 (cited by Labcorp Genetics (formerly Invitae), Labcorp); PubMed 30859559 (cited by Labcorp Genetics (formerly Invitae), Labcorp); PubMed 34645491 (cited by Labcorp Genetics (formerly Invitae), Labcorp).